The following is an entry in ClinVar:

ClinVar aggregate classification (germline): Uncertain significance (1 of 4 stars; one submission).

Conditions:
Fanconi anemia (FA). Also called: Fanconi's anemia. Identifiers: Orphanet 84, MedGen C0015625, MeSH D005199, MONDO:0019391.

Submission:

Labcorp Genetics (formerly Invitae), Labcorp
Classification: Uncertain significance for Fanconi anemia. Last evaluated: 2022-08-12. Review status: criteria provided, single submitter. Criteria: Invitae Variant Classification Sherloc (09022015). Collection method: clinical testing. Allele origin: germline.
Comment: In summary, the available evidence is currently insufficient to determine the role of this variant in disease. Therefore, it has been classified as a Variant of Uncertain Significance. Experimental studies and prediction algorithms are not available or were not evaluated, and the functional significance of this variant is currently unknown. This variant has not been reported in the literature in individuals affected with FANCD2-related conditions. This variant is present in population databases (rs758781334, gnomAD 0.0009%). This variant, c.2744_2746del, results in the deletion of 1 amino acid(s) of the FANCD2 protein (p.Ser915del), but otherwise preserves the integrity of the reading frame.

NM_001018115.3(FANCD2):c.2741CAT[1] (p.Ser915del)

Genes: FANCD2 (FA complementation group D2; plus strand), LOC107303338 (3p25 FANCD2 Alu-mediated recombination region; plus strand). Cytogenetic location: 3p25.3.
Variant type: Microsatellite.
Coding change: c.2741CAT[1] on transcript NM_001018115.3 (MANE Select); one copy of the 3-base unit CAT starting at c.2741; the reference has two copies in a row; one copy, 3 bases deleted.
Protein change: p.Ser915del; deletes serine 915.
Molecular consequence: inframe deletion.
Genome position (GRCh38, 1-based): chr3:10,074,558-10,074,560, CAT deleted; deleting any 3 consecutive bases within chr3:10,074,555-10,074,560 gives the same sequence; the position shown is the placement nearest the transcript's 3' end. VCF-style (leftmost placement, unchanged base first): chr3-10074554-ACAT-A. GRCh37 (hg19) VCF-style: chr3-10116238-ACAT-A.
Other names: c.2741CAT[1], p.Ser915del (NM_001319984.2, NM_001374254.1, NM_033084.6); c.2630CAT[1], p.Ser878del (NM_001374253.1); short protein forms S878del, S915del.
Identifiers: ClinVar variation 2023807 (VCV002023807.4), dbSNP rs758781334, ClinGen allele CA2250177.